The following is an entry in ClinVar:

NM_032119.4(ADGRV1):c.11805C>T (p.Asn3935=)

Gene: ADGRV1 (adhesion G protein-coupled receptor V1; plus strand). Cytogenetic location: 5q14.3.
Variant type: single nucleotide variant.
Coding change: c.11805C>T on transcript NM_032119.4 (MANE Select); coding-DNA position 11805, C replaced by T.
Protein change: p.Asn3935=; no amino-acid change (asparagine 3935 retained).
Molecular consequence: synonymous variant. On other transcripts: non-coding transcript variant (1).
Genome position (GRCh38, 1-based): chr5:90,757,026, C>T. VCF-style: chr5-90757026-C-T. GRCh37 (hg19) VCF-style: chr5-90052843-C-T.
Identifiers: ClinVar variation 497242 (VCV000497242.51), dbSNP rs144269892, ClinGen allele CA3341057.

ClinVar aggregate classification (germline): Benign/Likely benign. Review status: criteria provided, multiple submitters, no conflicts (2 of 4 stars). 8 submissions from 8 submitters: Benign (2); Likely benign (6). Last evaluated 2026-01-20.

Conditions:
Usher syndrome type 2C. Also called: Usher syndrome, type 2B; USHER SYNDROME, TYPE IIC. Identifiers: Orphanet 231178, Orphanet 886, MedGen C2931213, MONDO:0011558, OMIM 605472.

Allele frequency attached by ClinVar (database versions not stated): gnomAD exomes 0.00040; ExAC 0.00042; ESP Exome Variant Server 0.00084; gnomAD 0.00115 and 0.00121; 1000 Genomes Project 0.00120; TOPMed 0.00139; 1000 Genomes Project 30x 0.00141.
gnomAD v4.1: 414 of 1,613,632 alleles (0.026%); highest among the groups gnomAD compares: African/African-American, 0.39%; 1 homozygote.

Submissions (8):

Labcorp Genetics (formerly Invitae), Labcorp
Classification: Benign. Last evaluated: 2026-01-20. Review status: criteria provided, single submitter. Criteria: Invitae Variant Classification Sherloc (09022015). Collection method: clinical testing. Allele origin: germline.

Illumina Laboratory Services, Illumina
Classification: Benign for Usher syndrome type 2C. Last evaluated: 2025-04-08. Review status: criteria provided, single submitter. Criteria: ICSLVariantClassificationCriteria RUGD 01 April 2020. Collection method: clinical testing. Allele origin: unknown.

Blueprint Genetics
Classification: Likely benign. Last evaluated: 2024-11-13. Review status: criteria provided, single submitter. Criteria: ACMG Guidelines, 2015. Collection method: clinical testing. Allele origin: germline.

CeGaT Center for Human Genetics Tuebingen
Classification: Likely benign. Last evaluated: 2022-10-01. Review status: criteria provided, single submitter. Criteria: CeGaT Center For Human Genetics Tuebingen Variant Classification Criteria Version 2. Collection method: clinical testing. Allele origin: germline. Affected: yes. Observed: 1 variant allele.
Comment: ADGRV1: BP4, BP7

GeneDx
Classification: Likely benign. Last evaluated: 2021-01-26. Review status: criteria provided, single submitter. Criteria: GeneDx Variant Classification Process June 2021. Collection method: clinical testing. Allele origin: germline. Affected: yes.

Athena Diagnostics
Classification: Likely benign. Last evaluated: 2018-06-05. Review status: criteria provided, single submitter. Criteria: Athena Diagnostics Criteria. Collection method: clinical testing. Allele origin: germline.

Eurofins Ntd Llc (ga)
Classification: Likely benign. Last evaluated: 2018-05-29. Review status: criteria provided, single submitter. Criteria: EGL ClinVar v180209 classification definitions. Collection method: clinical testing. Allele origin: germline. Observed: 2 variant alleles, 2 heterozygotes.

Laboratory for Molecular Medicine, Mass General Brigham Personalized Medicine
Classification: Likely benign. Last evaluated: 2012-04-30. Review status: criteria provided, single submitter. Criteria: LMM Criteria. Collection method: clinical testing. Allele origin: germline. Observed: 1 variant allele.
Comment: Asn3935Asn in Exon 57 of GPR98: This variant is not expected to have clinical significance because it does not alter an amino acid residue, is not located within the splice consensus sequence, and has been identified in 0.4% (11/3010) of African American chromosomes from a broad population by the NHLBI Exome Sequencing Project (dbSNP rs144269892).